The following is an entry in ClinVar:

ClinVar aggregate classification (germline): Uncertain significance (1 of 4 stars; one submission).

Conditions:
Hereditary sensory neuropathy-deafness-dementia syndrome. Also called: Hereditary sensory neuropathy type IE; NEUROPATHY, HEREDITARY SENSORY, WITH HEARING LOSS AND DEMENTIA; Hereditary Sensory and Autonomic Neuropathy Type 1E (HSAN1E); HSN IE. Identifiers: Orphanet 456318, MedGen C3279885, MONDO:0013584, OMIM 614116.

Submission:

Labcorp Genetics (formerly Invitae), Labcorp
Classification: Uncertain significance for Hereditary sensory neuropathy-deafness-dementia syndrome. Last evaluated: 2022-01-05. Review status: criteria provided, single submitter. Criteria: Invitae Variant Classification Sherloc (09022015). Collection method: clinical testing. Allele origin: germline.
Comment: This sequence change replaces glutamic acid, which is acidic and polar, with glycine, which is neutral and non-polar, at codon 928 of the DNMT1 protein (p.Glu928Gly). This variant is not present in population databases (gnomAD no frequency). This variant has not been reported in the literature in individuals affected with DNMT1-related conditions. Algorithms developed to predict the effect of missense changes on protein structure and function (SIFT, PolyPhen-2, Align-GVGD) all suggest that this variant is likely to be tolerated. In summary, the available evidence is currently insufficient to determine the role of this variant in disease. Therefore, it has been classified as a Variant of Uncertain Significance.

NM_001130823.3(DNMT1):c.2783A>G (p.Glu928Gly)

Gene: DNMT1 (DNA methyltransferase 1; minus strand). Cytogenetic location: 19p13.2.
Variant type: single nucleotide variant.
Coding change: c.2783A>G on transcript NM_001130823.3 (MANE Select); coding-DNA position 2783, A replaced by G.
Protein change: p.Glu928Gly; replaces glutamic acid 928 with glycine.
Molecular consequence: missense variant.
Genome position (GRCh38, 1-based): chr19:10,146,462, T>C on the plus strand (A>G on the coding strand, the complement: DNMT1 is on the minus strand). VCF-style: chr19-10146462-T-C. GRCh37 (hg19) VCF-style: chr19-10257138-T-C.
Other names: c.2735A>G, p.Glu912Gly (NM_001318730.2, NM_001379.4); c.2420A>G, p.Glu807Gly (NM_001318731.2); short protein forms E807G, E912G, E928G.
Identifiers: ClinVar variation 2062014 (VCV002062014.4), dbSNP rs2513799023, ClinGen allele CA403976318.